The following is an entry in ClinVar:

ClinVar aggregate classification (germline): Pathogenic (1 of 4 stars; one submission).

Submission:

Labcorp Genetics (formerly Invitae), Labcorp
Classification: Pathogenic. Last evaluated: 2022-08-25. Review status: criteria provided, single submitter. Criteria: Invitae Variant Classification Sherloc (09022015). Collection method: clinical testing. Allele origin: germline.
Comment: This sequence change replaces lysine, which is basic and polar, with asparagine, which is neutral and polar, at codon 113 of the EFNB1 protein (p.Lys113Asn). For these reasons, this variant has been classified as Pathogenic. Algorithms developed to predict the effect of missense changes on protein structure and function are either unavailable or do not agree on the potential impact of this missense change (SIFT: "Tolerated"; PolyPhen-2: "Probably Damaging"; Align-GVGD: "Class C0"). ClinVar contains an entry for this variant (Variation ID: 1511747). This missense change has been observed in individual(s) with craniofrontonasal syndrome (PMID: 16685650; Invitae). In at least one individual the variant was observed to be de novo. This variant is not present in population databases (gnomAD no frequency).

Literature cited by the submitters: PubMed 16685650.

NM_004429.5(EFNB1):c.339G>C (p.Lys113Asn)

Gene: EFNB1 (ephrin B1; plus strand). Cytogenetic location: Xq13.1.
Variant type: single nucleotide variant.
Coding change: c.339G>C on transcript NM_004429.5 (MANE Select); coding-DNA position 339, G replaced by C.
Protein change: p.Lys113Asn; replaces lysine 113 with asparagine.
Molecular consequence: missense variant.
Genome position (GRCh38, 1-based): chrX:68,838,827, G>C. VCF-style: chrX-68838827-G-C. GRCh37 (hg19) VCF-style: chrX-68058670-G-C.
Other names: short protein forms K113N.
Identifiers: ClinVar variation 1511747 (VCV001511747.6), dbSNP rs781514536, ClinGen allele CA413437713.